The following is an entry in ClinVar:

NM_002691.4(POLD1):c.1548del (p.Tyr517fs)

Gene: POLD1 (DNA polymerase delta 1, catalytic subunit; plus strand). Cytogenetic location: 19q13.33.
Variant type: Deletion.
Coding change: c.1548del on transcript NM_002691.4 (MANE Select); coding-DNA position 1548, one base deleted (C; older notation c.1548delC).
Protein change: p.Tyr517fs; shifts the reading frame from tyrosine 517.
Molecular consequence: frameshift variant. On other transcripts: non-coding transcript variant (1).
Genome position (GRCh38, 1-based): chr19:50,407,036, C deleted; the last of 2 consecutive C bases (chr19:50,407,035-50,407,036); deleting either gives the same sequence. VCF-style (leftmost placement, unchanged base first): chr19-50407034-GC-G. GRCh37 (hg19) VCF-style: chr19-50910291-GC-G.
Other names: c.1548del, p.Tyr517fs (NM_001256849.1, NM_001308632.1, NM_001438210.1 and 3 more transcripts); short protein forms Y517fs.
Identifiers: ClinVar variation 4862158 (VCV004862158.1).
Genomic context (GRCh38, chr19:50,407,034, plus strand): 5'-CATCCCCAGAATGGGAACGACCAGACCCGCCGCCGCCTGGCTGTGTACTGCCTGAAGGAT[GC>G]CTACCTGCCACTGCGGCTGCTGGAGCGGCTCATGGTGCTGGTGAACGCCGTGGAGATGGC-3'

ClinVar aggregate classification (germline): Uncertain significance (1 of 4 stars; one submission).

Conditions:
Hereditary cancer-predisposing syndrome. Also called: Neoplastic Syndromes, Hereditary; Tumor predisposition; Hereditary Cancer Syndrome; Hereditary neoplastic syndrome. Identifiers: Orphanet 140162, MedGen C0027672, MeSH D009386, MONDO:0015356.

Submission:

Ambry Genetics
Classification: Uncertain significance for Hereditary cancer-predisposing syndrome. Last evaluated: 2026-04-23. Review status: criteria provided, single submitter. Criteria: Ambry Variant Classification Scheme 2023. Collection method: clinical testing. Allele origin: germline.
Comment: The c.1548delC variant, located in coding exon 12 of the POLD1 gene, results from a deletion of one nucleotide at nucleotide position 1548, causing a translational frameshift with a predicted alternate stop codon (p.Y517Tfs*14). This variant is expected to result in protein truncation or nonsense-mediated mRNA decay. However, loss of function has not been established as a mechanism of disease. Based on the available evidence, the clinical significance of this variant remains unclear.